The following is an entry in ClinVar:

ClinVar aggregate classification (germline): Conflicting classifications of pathogenicity. Review status: criteria provided, conflicting classifications (1 of 4 stars). 4 submissions from 4 submitters: Uncertain significance (2); Likely benign (2). Last evaluated 2026-01-13.

Conditions:
Hereditary breast ovarian cancer syndrome. Also called: BRCA1- and BRCA2-Associated Hereditary Breast and Ovarian Cancer; Hereditary breast and ovarian cancer syndrome; Hereditary breast and ovarian cancer; Hereditary breast and ovarian cancer syndrome (HBOC); Breast and ovarian cancer; Hereditary breast and/or ovarian cancer syndrome. Identifiers: Orphanet 145, MedGen C0677776, MeSH D061325, MONDO:0003582. Disease mechanism: loss of function.
Hereditary cancer-predisposing syndrome. Also called: Neoplastic Syndromes, Hereditary; Tumor predisposition; Hereditary Cancer Syndrome; Hereditary neoplastic syndrome. Identifiers: Orphanet 140162, MedGen C0027672, MeSH D009386, MONDO:0015356.

Submissions (4):

German Consortium for Hereditary Breast and Ovarian Cancer, University Hospital Cologne
Classification: Likely benign for Hereditary breast ovarian cancer syndrome. Last evaluated: 2026-01-13. Review status: criteria provided, single submitter. Criteria: ClinGen BRCA2 V1.1.0. Collection method: curation. Allele origin: germline.
Comment: This classification follows the ClinGen ENIGMA BRCA2 v1.1.0 classification scheme; We chose these criteria: PM2 (supporting pathogenic): absent from gnomAD v2/3/4, BP1 (strong benign): missense variants outside aunctional domain AND no splicing predicted (SpliceAI <=0.1).

Labcorp Genetics (formerly Invitae), Labcorp
Classification: Uncertain significance for Hereditary breast ovarian cancer syndrome. Last evaluated: 2024-02-15. Review status: criteria provided, single submitter. Criteria: Invitae Variant Classification Sherloc (09022015). Collection method: clinical testing. Allele origin: germline.
Comment: This sequence change replaces lysine, which is basic and polar, with asparagine, which is neutral and polar, at codon 838 of the BRCA2 protein (p.Lys838Asn). This variant is not present in population databases (gnomAD no frequency). This variant has not been reported in the literature in individuals affected with BRCA2-related conditions. ClinVar contains an entry for this variant (Variation ID: 922987). Advanced modeling of protein sequence and biophysical properties (such as structural, functional, and spatial information, amino acid conservation, physicochemical variation, residue mobility, and thermodynamic stability) performed at Invitae indicates that this missense variant is not expected to disrupt BRCA2 protein function with a negative predictive value of 95%. In summary, the available evidence is currently insufficient to determine the role of this variant in disease. Therefore, it has been classified as a Variant of Uncertain Significance.

Color Diagnostics, LLC DBA Color Health
Classification: Uncertain significance for Hereditary cancer-predisposing syndrome. Last evaluated: 2023-12-05. Review status: criteria provided, single submitter. Criteria: ACMG Guidelines, 2015. Collection method: clinical testing. Allele origin: germline.
Comment: This missense variant replaces lysine with asparagine at codon 838 of the BRCA2 protein. Computational prediction suggests that this variant may not impact protein structure and function (internally defined REVEL score threshold <= 0.5, PMID: 27666373). To our knowledge, functional studies have not been reported for this variant. This variant has not been reported in individuals affected with BRCA2-related disorders in the literature. This variant has not been identified in the general population by the Genome Aggregation Database (gnomAD). The available evidence is insufficient to determine the role of this variant in disease conclusively. Therefore, this variant is classified as a Variant of Uncertain Significance.

University of Washington Department of Laboratory Medicine, University of Washington
Classification: Likely benign for Hereditary cancer-predisposing syndrome. Last evaluated: 2023-03-23. Review status: criteria provided, single submitter. Criteria: Dines et al. (Genet Med. 2020). Collection method: curation. Allele origin: germline.
Comment: Missense variant in a coldspot region where missense variants are very unlikely to be pathogenic (PMID:31911673).

BRCA2 exon 11 coldspot. Reclassification based on statistical prior probability.

NM_000059.4(BRCA2):c.2514A>C (p.Lys838Asn)

Gene: BRCA2 (BRCA2 DNA repair associated; plus strand). Cytogenetic location: 13q13.1.
Variant type: single nucleotide variant.
Coding change: c.2514A>C on transcript NM_000059.4 (MANE Select); coding-DNA position 2514, A replaced by C.
Protein change: p.Lys838Asn; replaces lysine 838 with asparagine.
Molecular consequence: missense variant.
Genome position (GRCh38, 1-based): chr13:32,336,869, A>C. VCF-style: chr13-32336869-A-C. GRCh37 (hg19) VCF-style: chr13-32911006-A-C.
Other names: short protein forms K838N.
Identifiers: ClinVar variation 922987 (VCV000922987.13), dbSNP rs2072459198, ClinGen allele CA387772451.